The following is an entry in ClinVar:

ClinVar aggregate classification (germline): Benign/Likely benign. Review status: criteria provided, multiple submitters, no conflicts (2 of 4 stars). 8 submissions from 8 submitters: Benign (1); Likely benign (3). 4 of the submissions do not count toward it. Last evaluated 2026-01-25.

Conditions:
Autosomal recessive polycystic kidney disease (ARPKD). Also called: AR polycystic kidney disease. Identifiers: Orphanet 731, Orphanet 8378, MedGen C0085548, MeSH D017044, MONDO:0009889.
PKHD1-related disorder. Also called: PKHD1-related condition.
Polycystic kidney disease 4 (PKD4). Also called: POLYCYSTIC KIDNEY DISEASE 4 WITH OR WITHOUT POLYCYSTIC LIVER DISEASE; PKD3; POLYCYSTIC KIDNEY AND HEPATIC DISEASE 1; POLYCYSTIC KIDNEY DISEASE, INFANTILE, TYPE I; Autosomal Recessive Polycystic Kidney Disease – PKHD1. Identifiers: MedGen C4540575, MONDO:0033004, OMIM 263200.

Allele frequency attached by ClinVar (database versions not stated): ESP Exome Variant Server 0.00031; TOPMed 0.00035; 1000 Genomes Project 0.00100; 1000 Genomes Project 30x 0.00125.
gnomAD v4.1: 680 of 1,614,200 alleles (0.042%); highest among the groups gnomAD compares: South Asian, 0.54%; 6 homozygotes.

Submissions (8):

Labcorp Genetics (formerly Invitae), Labcorp
Classification: Benign for Autosomal recessive polycystic kidney disease. Last evaluated: 2026-01-25. Review status: criteria provided, single submitter. Criteria: Invitae Variant Classification Sherloc (09022015). Collection method: clinical testing. Allele origin: germline.

Department of Pathology and Laboratory Medicine, Sinai Health System
Classification: Likely benign for Polycystic kidney disease 4. Last evaluated: 2022-07-06. Review status: criteria provided, single submitter. Criteria: ACMG Guidelines, 2015. Collection method: clinical testing. Allele origin: germline. Affected: yes.

Dubai Health Genomic Medicine Center, Dubai Health
Classification: Likely benign for Polycystic kidney disease 4. Last evaluated: 2019-12-26. Review status: criteria provided, single submitter. Criteria: ACMG Guidelines, 2015. Collection method: clinical testing. Allele origin: germline. Affected: yes.

Eurofins Ntd Llc (ga)
Classification: Likely benign. Last evaluated: 2018-07-19. Review status: criteria provided, single submitter. Criteria: EGL ClinVar v180209 classification definitions. Collection method: clinical testing. Allele origin: germline. Observed: 2 variant alleles, 2 heterozygotes.

PreventionGenetics, part of Exact Sciences
Classification: Likely benign for PKHD1-related condition. Last evaluated: 2021-05-26. Review status: no assertion criteria provided. Collection method: clinical testing. Allele origin: germline. Not counted in ClinVar's aggregate classification.
Comment: This variant is classified as likely benign based on ACMG/AMP sequence variant interpretation guidelines (Richards et al. 2015 PMID: 25741868, with internal and published modifications).

Natera, Inc.
Classification: Likely benign for Autosomal recessive polycystic kidney disease. Last evaluated: 2017-05-10. Review status: no assertion criteria provided. Collection method: clinical testing. Allele origin: germline. Not counted in ClinVar's aggregate classification.

Genome Diagnostics Laboratory, University Medical Center Utrecht
Classification: Benign. Review status: no assertion criteria provided. Collection method: clinical testing. Allele origin: germline. Affected: yes. Study: VKGL Data-share Consensus. Not counted in ClinVar's aggregate classification.

Laboratory of Diagnostic Genome Analysis, Leiden University Medical Center (LUMC)
Classification: Likely benign. Review status: no assertion criteria provided. Collection method: clinical testing. Allele origin: germline. Affected: yes. Study: VKGL Data-share Consensus. Not counted in ClinVar's aggregate classification.

NM_138694.4(PKHD1):c.4844C>T (p.Thr1615Met)

Genes: PKHD1 (PKHD1 ciliary IPT domain containing fibrocystin/polyductin; minus strand), LOC126859690 (MED14-independent group 3 enhancer GRCh37_chr6:51888848-51890047; plus strand). Cytogenetic location: 6p12.2.
Variant type: single nucleotide variant.
Coding change: c.4844C>T on transcript NM_138694.4 (MANE Select); coding-DNA position 4844, C replaced by T.
Protein change: p.Thr1615Met; replaces threonine 1615 with methionine.
Molecular consequence: missense variant.
Genome position (GRCh38, 1-based): chr6:52,024,966, G>A on the plus strand (C>T on the coding strand, the complement: PKHD1 is on the minus strand). VCF-style: chr6-52024966-G-A. GRCh37 (hg19) VCF-style: chr6-51889764-G-A.
Other names: c.4844C>T, p.Thr1615Met (NM_170724.3); short protein forms T1615M.
Identifiers: ClinVar variation 598091 (VCV000598091.26), dbSNP rs147529495, ClinGen allele CA3852659.